The following is an entry in ClinVar:

ClinVar aggregate classification (germline): not provided (0 of 4 stars; one submission).

Allele frequency attached by ClinVar (database versions not stated): gnomAD 0.00001; 1000 Genomes Project 30x 0.00016; 1000 Genomes Project 0.00020.
gnomAD v4.1: 1 of 1,612,434 alleles (0.000062%); highest among the groups gnomAD compares: South Asian, 0.0011%; no homozygotes.

Submission:

ITMI
No classification provided. Condition: AllHighlyPenetrant. Last evaluated: 2013-09-19. Review status: no classification provided. Collection method: reference population. Allele origin: germline.
Comment: Please see associated publication for description of ethnicities

Literature cited by the submitters: PubMed 24728327.

NM_014159.7(SETD2):c.4526G>A (p.Arg1509Lys)

Gene: SETD2 (SET domain containing 2, histone lysine methyltransferase; minus strand). Cytogenetic location: 3p21.31.
Variant type: single nucleotide variant.
Coding change: c.4526G>A on transcript NM_014159.7 (MANE Select); coding-DNA position 4526, G replaced by A.
Protein change: p.Arg1509Lys; replaces arginine 1509 with lysine.
Molecular consequence: missense variant. On other transcripts: non-coding transcript variant (1).
Genome position (GRCh38, 1-based): chr3:47,116,683, C>T on the plus strand (G>A on the coding strand, the complement: SETD2 is on the minus strand). VCF-style: chr3-47116683-C-T. GRCh37 (hg19) VCF-style: chr3-47158173-C-T.
Other names: c.4394G>A, p.Arg1465Lys (NM_001349370.3); short protein forms R1509K, R1465K.
Identifiers: ClinVar variation 135241 (VCV000135241.1), dbSNP rs528393799, ClinGen allele CA162116.